The following is an entry in ClinVar:

NM_025074.7(FRAS1):c.8098G>T (p.Gly2700Ter)

Gene: FRAS1 (Fraser extracellular matrix complex subunit 1; plus strand). Cytogenetic location: 4q21.21.
Variant type: single nucleotide variant.
Coding change: c.8098G>T on transcript NM_025074.7 (MANE Select); coding-DNA position 8098, G replaced by T.
Protein change: p.Gly2700Ter; replaces glycine 2700 with a stop codon.
Molecular consequence: nonsense.
Genome position (GRCh38, 1-based): chr4:78,478,061, G>T. VCF-style: chr4-78478061-G-T. GRCh37 (hg19) VCF-style: chr4-79399215-G-T.
Other names: short protein forms G2700*.
Identifiers: ClinVar variation 4735548 (VCV004735548.1).

ClinVar aggregate classification (germline): Pathogenic (1 of 4 stars; one submission).

gnomAD v4.1: 1 of 1,556,370 alleles (0.000064%); highest among the groups gnomAD compares: Non-Finnish European, 0.000087%; no homozygotes.

Submission:

Labcorp Genetics (formerly Invitae), Labcorp
Classification: Pathogenic. Last evaluated: 2026-01-17. Review status: criteria provided, single submitter. Criteria: Invitae Variant Classification Sherloc (09022015). Collection method: clinical testing. Allele origin: germline.
Comment: This sequence change creates a premature translational stop signal (p.Gly2700*) in the FRAS1 gene. It is expected to result in an absent or disrupted protein product. Loss-of-function variants in FRAS1 are known to be pathogenic (PMID: 12766769, 18671281). This variant is not present in population databases (gnomAD no frequency). This variant has not been reported in the literature in individuals affected with FRAS1-related conditions. Algorithms developed to predict the effect of sequence changes on RNA splicing suggest that this variant may disrupt the consensus splice site. For these reasons, this variant has been classified as Pathogenic.

Literature cited by the submitters: PubMed 12766769; PubMed 18671281.